The following is an entry in ClinVar:

NM_004281.4(BAG3):c.329C>G (p.Pro110Arg)

Gene: BAG3 (BAG cochaperone 3; plus strand). Cytogenetic location: 10q26.11.
Variant type: single nucleotide variant.
Coding change: c.329C>G on transcript NM_004281.4 (MANE Select); coding-DNA position 329, C replaced by G.
Protein change: p.Pro110Arg; replaces proline 110 with arginine.
Molecular consequence: missense variant.
Genome position (GRCh38, 1-based): chr10:119,669,999, C>G. VCF-style: chr10-119669999-C-G. GRCh37 (hg19) VCF-style: chr10-121429511-C-G.
Other names: short protein forms P110R.
Identifiers: ClinVar variation 2044575 (VCV002044575.4), dbSNP rs749587347, ClinGen allele CA5716298.

ClinVar aggregate classification (germline): Uncertain significance (1 of 4 stars; one submission).

Conditions:
Dilated cardiomyopathy 1HH (CMD1HH). Identifiers: Orphanet 154, MedGen C3151293, MONDO:0013479, OMIM 613881.
Myofibrillar myopathy 6. Identifiers: Orphanet 199340, MedGen C2751831, MONDO:0013061, OMIM 612954.

Allele frequency attached by ClinVar (database versions not stated): ExAC 0.00002.
gnomAD v4.1: 13 of 1,614,246 alleles (0.00081%); highest among the groups gnomAD compares: Non-Finnish European, 0.0011%; no homozygotes.

Submission:

Labcorp Genetics (formerly Invitae), Labcorp
Classification: Uncertain significance for Dilated cardiomyopathy 1HH; Myofibrillar myopathy 6. Last evaluated: 2024-10-06. Review status: criteria provided, single submitter. Criteria: Invitae Variant Classification Sherloc (09022015). Collection method: clinical testing. Allele origin: germline.
Comment: This sequence change replaces proline, which is neutral and non-polar, with arginine, which is basic and polar, at codon 110 of the BAG3 protein (p.Pro110Arg). This variant is present in population databases (rs749587347, gnomAD 0.003%). This variant has not been reported in the literature in individuals affected with BAG3-related conditions. ClinVar contains an entry for this variant (Variation ID: 2044575). Invitae Evidence Modeling of protein sequence and biophysical properties (such as structural, functional, and spatial information, amino acid conservation, physicochemical variation, residue mobility, and thermodynamic stability) indicates that this missense variant is not expected to disrupt BAG3 protein function with a negative predictive value of 80%. In summary, the available evidence is currently insufficient to determine the role of this variant in disease. Therefore, it has been classified as a Variant of Uncertain Significance.